The following is an entry in ClinVar:

ClinVar aggregate classification (germline): Likely benign (1 of 4 stars; one submission).

gnomAD v4.1: 7 of 1,613,186 alleles (0.00043%); highest among the groups gnomAD compares: Admixed American, 0.0033%; no homozygotes.

Submission:

CeGaT Center for Human Genetics Tuebingen
Classification: Likely benign. Last evaluated: 2026-08-01. Review status: criteria provided, single submitter. Criteria: CeGaT Center For Human Genetics Tuebingen Variant Classification Criteria Version 2. Collection method: clinical testing. Allele origin: germline. Affected: yes. Observed: 1 variant allele.
Comment: TRMT1: BP4, BP7

NM_001136035.4(TRMT1):c.933G>A (p.Val311=)

Gene: TRMT1 (tRNA methyltransferase 1; minus strand). Cytogenetic location: 19p13.13.
Variant type: single nucleotide variant.
Coding change: c.933G>A on transcript NM_001136035.4 (MANE Select); coding-DNA position 933, G replaced by A.
Protein change: p.Val311=; no amino-acid change (valine 311 retained).
Molecular consequence: synonymous variant.
Genome position (GRCh38, 1-based): chr19:13,110,244, C>T on the plus strand (G>A on the coding strand, the complement: TRMT1 is on the minus strand). VCF-style: chr19-13110244-C-T. GRCh37 (hg19) VCF-style: chr19-13221058-C-T.
Other names: c.933G>A, p.Val311= (NM_001351760.2, NM_017722.5, NM_001142554.3); c.825G>A, p.Val275= (NM_001351761.2); c.150G>A, p.Val50= (NM_001351762.2).
Identifiers: ClinVar variation 5040547 (VCV005040547.1).
Genomic context (GRCh38, chr19:13,110,244, plus strand): 5'-GCCGGTGAAGACACGGACAAAAACACGCACGTAGAAGTCAGCGCTGATGCTGAGCAGCGG[C>T]ACCACGAAGCGCTGGTAGCAGTTGGCGCGGAGGTCCAGGCTGTGCAGGACGATTCTCAGG-3'
Protein context (NP_001129507.1, residues 301-321): LRANCYQRFV[Val311=]PLLSISADFY